The following is an entry in ClinVar:

ClinVar aggregate classification (germline): Likely pathogenic (1 of 4 stars; one submission).

Allele frequency attached by ClinVar (database versions not stated): gnomAD exomes below 0.00001; ExAC 0.00001; gnomAD 0.00001; TOPMed 0.00001; 1000 Genomes Project 30x 0.00016.
gnomAD v4.1: 2 of 1,605,942 alleles (0.00012%); highest among the groups gnomAD compares: African/African-American, 0.0027%; no homozygotes.

Submission:

Labcorp Genetics (formerly Invitae), Labcorp
Classification: Likely pathogenic. Last evaluated: 2022-05-21. Review status: criteria provided, single submitter. Criteria: Invitae Variant Classification Sherloc (09022015). Collection method: clinical testing. Allele origin: germline.
Comment: In summary, the currently available evidence indicates that the variant is pathogenic, but additional data are needed to prove that conclusively. Therefore, this variant has been classified as Likely Pathogenic. Algorithms developed to predict the effect of sequence changes on RNA splicing suggest that this variant may disrupt the consensus splice site. This variant has not been reported in the literature in individuals affected with ATR-related conditions. This variant is present in population databases (rs201786773, gnomAD 0.007%). This sequence change affects an acceptor splice site in intron 37 of the ATR gene. It is expected to disrupt RNA splicing. Variants that disrupt the donor or acceptor splice site typically lead to a loss of protein function (PMID: 16199547), and loss-of-function variants in ATR are known to be pathogenic (PMID: 21228398, 23144622).

Literature cited by the submitters: PubMed 16199547; PubMed 21228398; PubMed 23144622.

NM_001184.4(ATR):c.6320-2A>C

Gene: ATR (ATR checkpoint kinase; minus strand). Cytogenetic location: 3q23.
Variant type: single nucleotide variant.
Coding change: c.6320-2A>C on transcript NM_001184.4 (MANE Select); the canonical splice acceptor site of the intron before coding-DNA position 6320, A replaced by C.
Molecular consequence: splice acceptor variant.
Genome position (GRCh38, 1-based): chr3:142,469,571, T>G on the plus strand (A>C on the coding strand, the complement: ATR is on the minus strand). VCF-style: chr3-142469571-T-G. GRCh37 (hg19) VCF-style: chr3-142188413-T-G.
Other names: c.6128-2A>C (NM_001354579.2).
Identifiers: ClinVar variation 2144776 (VCV002144776.4), dbSNP rs201786773, ClinGen allele CA2649353.